The following is an entry in ClinVar:

NM_006180.6(NTRK2):c.1202_1207del (p.Gly401_Thr402del)

Gene: NTRK2 (neurotrophic receptor tyrosine kinase 2; plus strand). Cytogenetic location: 9q21.33.
Variant type: Deletion.
Coding change: c.1202_1207del on transcript NM_006180.6 (MANE Select); coding-DNA positions 1202 to 1207, 6 bases deleted (GAACTG; older notation c.1202_1207delGAACTG).
Protein change: p.Gly401_Thr402del.
Molecular consequence: inframe deletion.
Genome position (GRCh38, 1-based): chr9:84,744,979-84,744,984, GAACTG deleted; deleting any 6 consecutive bases within chr9:84,744,977-84,744,984 gives the same sequence; the c. name uses the placement nearest the transcript's 3' end. VCF-style (leftmost placement, unchanged base first): chr9-84744976-ATGGAAC-A. GRCh37 (hg19) VCF-style: chr9-87359891-ATGGAAC-A.
Other names: c.1202_1207del, p.Gly401_Thr402del (NM_001007097.3, NM_001018064.3, NM_001018065.2 and 15 more transcripts); c.1163_1168del, p.Gly388_Thr389del (NM_001291937.2, NM_001369546.1); c.1166_1171del, p.Gly389_Thr390del (NM_001369534.1); c.734_739del, p.Gly245_Thr246del (NM_001369535.1, NM_001369536.1, NM_001369550.1 and 2 more transcripts).
Identifiers: ClinVar variation 4686298 (VCV004686298.1).

ClinVar aggregate classification (germline): Uncertain significance (1 of 4 stars; one submission).

Submission:

GeneDx
Classification: Uncertain significance. Last evaluated: 2025-07-17. Review status: criteria provided, single submitter. Criteria: GeneDx Variant Classification Process June 2021. Collection method: clinical testing. Allele origin: germline. Affected: yes.
Comment: In-frame deletion of 2 amino acid(s) in a non-repeat region; Not observed at significant frequency in large population cohorts (gnomAD); In silico analysis suggests that this variant does not alter protein structure/function; Has not been previously published as pathogenic or benign to our knowledge